The following is an entry in ClinVar:

NM_000384.3(APOB):c.726C>A (p.Ser242Arg)

Gene: APOB (apolipoprotein B; minus strand). Cytogenetic location: 2p24.1.
Variant type: single nucleotide variant.
Coding change: c.726C>A on transcript NM_000384.3 (MANE Select); coding-DNA position 726, C replaced by A.
Protein change: p.Ser242Arg; replaces serine 242 with arginine.
Molecular consequence: missense variant.
Genome position (GRCh38, 1-based): chr2:21,035,676, G>T on the plus strand (C>A on the coding strand, the complement: APOB is on the minus strand). VCF-style: chr2-21035676-G-T. GRCh37 (hg19) VCF-style: chr2-21258548-G-T.
Other names: short protein forms S242R.
Identifiers: ClinVar variation 2323333 (VCV002323333.4), dbSNP rs1663985748, ClinGen allele CA345961166.

ClinVar aggregate classification (germline): Uncertain significance. Review status: criteria provided, multiple submitters, no conflicts (2 of 4 stars). 2 submissions from 2 submitters: Uncertain significance (2). Last evaluated 2026-09-11.

Conditions:
Cardiovascular phenotype. Identifiers: MedGen CN230736.
Familial hypobetalipoproteinemia 1. Also called: APOB-Related Familial Hypobetalipoproteinemia; Hypobetalipoproteinemia, normotriglyceridemic; Acanthocytosis with hypobetalipoproteinemia. Identifiers: MedGen C4551990, MONDO:0014252, OMIM 615558.
Hypercholesterolemia, autosomal dominant, type B (FHCL2). Also called: Familial Hypercholesterolemia Type B; APOLIPOPROTEIN B-100, FAMILIAL DEFECTIVE; APOLIPOPROTEIN B-100, FAMILIAL LIGAND-DEFECTIVE; HYPERCHOLESTEROLEMIA, FAMILIAL, DUE TO LIGAND-DEFECTIVE APOLIPOPROTEIN B; Hyperlipoproteinemia Type IIb; Familial hypercholesterolemia 2. Identifiers: MedGen C1704417, MONDO:0007751, OMIM 144010.

Allele frequency attached by ClinVar (database versions not stated): gnomAD 0.00001.
gnomAD v4.1: 1 of 1,613,938 alleles (0.000062%); highest among the groups gnomAD compares: Non-Finnish European, 0.000085%; no homozygotes.

Submissions (2):

Ambry Genetics
Classification: Uncertain significance for Cardiovascular phenotype. Last evaluated: 2026-09-11. Review status: criteria provided, single submitter. Criteria: Ambry Variant Classification Scheme 2023. Collection method: clinical testing. Allele origin: germline.
Comment: The p.S242R variant (also known as c.726C>A), located in coding exon 7 of the APOB gene, results from a C to A substitution at nucleotide position 726. The serine at codon 242 is replaced by arginine, an amino acid with dissimilar properties. This amino acid position is conserved. In addition, this alteration is predicted to be tolerated by in silico analysis. Based on the available evidence, the clinical significance of this variant remains unclear.

Labcorp Genetics (formerly Invitae), Labcorp
Classification: Uncertain significance for Familial hypobetalipoproteinemia 1; Hypercholesterolemia, autosomal dominant, type B. Last evaluated: 2025-12-25. Review status: criteria provided, single submitter. Criteria: Invitae Variant Classification Sherloc (09022015). Collection method: clinical testing. Allele origin: germline.
Comment: This sequence change replaces serine, which is neutral and polar, with arginine, which is basic and polar, at codon 242 of the APOB protein (p.Ser242Arg). This variant is not present in population databases (gnomAD no frequency). This variant has not been reported in the literature in individuals affected with APOB-related conditions. ClinVar contains an entry for this variant (Variation ID: 2323333). Invitae Evidence Modeling of protein sequence and biophysical properties (such as structural, functional, and spatial information, amino acid conservation, physicochemical variation, residue mobility, and thermodynamic stability) indicates that this missense variant is not expected to disrupt APOB protein function with a negative predictive value of 95%. In summary, the available evidence is currently insufficient to determine the role of this variant in disease. Therefore, it has been classified as a Variant of Uncertain Significance.